The following is an entry in ClinVar:

ClinVar aggregate classification (germline): Likely benign. Review status: criteria provided, multiple submitters, no conflicts (2 of 4 stars). 6 submissions from 6 submitters: Likely benign (3). 3 of the submissions do not count toward it. Last evaluated 2025-12-05.

Conditions:
RAI1-related disorder. Also called: RAI1-related condition.
Inborn genetic diseases. Identifiers: MedGen C0950123, MeSH D030342.

Submissions (6):

Labcorp Genetics (formerly Invitae), Labcorp
Classification: Likely benign. Last evaluated: 2025-12-05. Review status: criteria provided, single submitter. Criteria: Invitae Variant Classification Sherloc (09022015). Collection method: clinical testing. Allele origin: germline.

Blueprint Genetics
Classification: Likely benign. Last evaluated: 2024-03-19. Review status: criteria provided, single submitter. Criteria: ACMG Guidelines, 2015. Collection method: clinical testing. Allele origin: germline.

Ambry Genetics
Classification: Likely benign for Inborn genetic diseases. Last evaluated: 2017-01-23. Review status: criteria provided, single submitter. Criteria: Ambry Variant Classification Scheme 2023. Collection method: clinical testing. Allele origin: germline.

PreventionGenetics, part of Exact Sciences
Classification: Likely benign for RAI1-related condition. Last evaluated: 2024-05-31. Review status: no assertion criteria provided. Collection method: clinical testing. Allele origin: germline. Not counted in ClinVar's aggregate classification.
Comment: This variant is classified as likely benign based on ACMG/AMP sequence variant interpretation guidelines (Richards et al. 2015 PMID: 25741868, with internal and published modifications).

Gharavi Laboratory, Columbia University
Classification: Uncertain significance. Last evaluated: 2018-09-16. Review status: no assertion criteria provided. Criteria: ACMG Guidelines, 2015. Collection method: research. Allele origin: germline. Affected: yes. Not counted in ClinVar's aggregate classification.

Department of Pathology and Laboratory Medicine, Sinai Health System
Classification: Uncertain significance. Review status: no assertion criteria provided. Collection method: clinical testing. Allele origin: unknown. Affected: yes. Study: The Canadian Open Genetics Repository (COGR). Not counted in ClinVar's aggregate classification.
Comment: The RAI1 p.Gln286_Gln291del variant was not identified in the literature nor was it identified in dbSNP, Cosmic or LOVD 3.0. The variant was identified in ClinVar (classified as likely benign by Ambry Genetics). The variant was not identified in the following control databases: the 1000 Genomes Project, the NHLBI GO Exome Sequencing Project, the Exome Aggregation Consortium (August 8th 2016), or the Genome Aggregation Database (Feb 27, 2017). This variant is an in-frame deletion resulting in the removal of a glutamine (gln) residue from codons 286-291; the impact of this alteration on RAI1 protein function is not known. In summary, based on the above information the clinical significance of this variant cannot be determined with certainty at this time. This variant is classified as a variant of uncertain significance.

NM_030665.4(RAI1):c.834GCA[7] (p.Gln286_Gln291del)

Gene: RAI1 (retinoic acid induced 1; plus strand). Cytogenetic location: 17p11.2.
Variant type: Microsatellite.
Coding change: c.834GCA[7] on transcript NM_030665.4 (MANE Select); seven copies in a row of the 3-base unit GCA starting at c.834; the reference has 13 copies in a row; six copies, 18 bases deleted.
Protein change: p.Gln286_Gln291del.
Molecular consequence: inframe deletion.
Genome position (GRCh38, 1-based): chr17:17,793,803-17,793,820, GCAGCAGCAGCAGCAGCA deleted; deleting any 18 consecutive bases within chr17:17,793,780-17,793,820 gives the same sequence; the position shown is the placement nearest the transcript's 3' end. VCF-style (leftmost placement, unchanged base first): chr17-17793779-CCAGCAGCAGCAGCAGCAG-C. GRCh37 (hg19) VCF-style: chr17-17697093-CCAGCAGCAGCAGCAGCAG-C.
Identifiers: ClinVar variation 588724 (VCV000588724.14), dbSNP rs371983878, ClinGen allele CA726623096.